The following is an entry in ClinVar:

NM_014023.4(WDR37):c.1073A>C (p.His358Pro)

Gene: WDR37 (WD repeat domain 37; plus strand). Cytogenetic location: 10p15.3.
Variant type: single nucleotide variant.
Coding change: c.1073A>C on transcript NM_014023.4 (MANE Select); coding-DNA position 1073, A replaced by C.
Protein change: p.His358Pro; replaces histidine 358 with proline.
Molecular consequence: missense variant.
Genome position (GRCh38, 1-based): chr10:1,105,237, A>C. VCF-style: chr10-1105237-A-C. GRCh37 (hg19) VCF-style: chr10-1151177-A-C.
Other names: short protein forms H358P.
Identifiers: ClinVar variation 1314600 (VCV001314600.2), dbSNP rs778883388, ClinGen allele CA375855271.

ClinVar aggregate classification (germline): Uncertain significance (1 of 4 stars; one submission).

Submission:

GeneDx
Classification: Uncertain significance. Last evaluated: 2021-04-16. Review status: criteria provided, single submitter. Criteria: GeneDx Variant Classification Process June 2021. Collection method: clinical testing. Allele origin: germline. Affected: yes.
Comment: Not observed in large population cohorts (Lek et al., 2016); In silico analysis supports that this missense variant has a deleterious effect on protein structure/function; Has not been previously published as pathogenic or benign to our knowledge